The following is an entry in ClinVar:

NM_006892.4(DNMT3B):c.2358C>A (p.Asn786Lys)

Gene: DNMT3B (DNA methyltransferase 3 beta; plus strand). Cytogenetic location: 20q11.21.
Variant type: single nucleotide variant.
Coding change: c.2358C>A on transcript NM_006892.4 (MANE Select); coding-DNA position 2358, C replaced by A.
Protein change: p.Asn786Lys; replaces asparagine 786 with lysine.
Molecular consequence: missense variant. On other transcripts: intron variant (3).
Genome position (GRCh38, 1-based): chr20:32,806,265, C>A. VCF-style: chr20-32806265-C-A. GRCh37 (hg19) VCF-style: chr20-31394071-C-A.
Other names: c.2358C>A (NM_006892.3); c.2298C>A, p.Asn766Lys (NM_175848.2); c.2334C>A, p.Asn778Lys (NM_175850.3); c.2172-1497C>A (NM_175849.2); c.2046-1497C>A (NM_001207055.2); c.1944-1497C>A (NM_001207056.2); short protein forms N766K, N778K, N786K.
Identifiers: ClinVar variation 1043252 (VCV001043252.8), dbSNP rs868828837, ClinGen allele CA408592388.
Genomic context (GRCh38, chr20:32,806,265, plus strand): 5'-CCAGTTAAAGAAAGTACAGACAATAACCACCAAGTCGAACTCGATCAAACAGGGGAAAAA[C>A]CAACTTTTCCCTGTTGTCATGAATGGCAAAGAAGATGTTTTGTGGTGCACTGAGCTCGAA-3'
Protein context (NP_008823.1, residues 776-796): TKSNSIKQGK[Asn786Lys]QLFPVVMNGK

ClinVar aggregate classification (germline): Uncertain significance. Review status: criteria provided, multiple submitters, no conflicts (2 of 4 stars). 2 submissions from 2 submitters: Uncertain significance (2). Last evaluated 2025-03-19.

Conditions:
Inborn genetic diseases. Identifiers: MedGen C0950123, MeSH D030342.
Centromeric instability of chromosomes 1,9 and 16 and immunodeficiency (ICF1). Also called: CENTROMERIC INSTABILITY, IMMUNODEFICIENCY SYNDROME; IMMUNE DEFICIENCY, VARIABLE, WITH CENTROMERIC INSTABILITY OF CHROMOSOMES 1, 9, AND 16; IMMUNODEFICIENCY SYNDROME, VARIABLE; Immunodeficiency-centromeric instability-facial anomalies. Identifiers: Orphanet 2268, MedGen C0398788, MONDO:0000133.

Allele frequency attached by ClinVar (database versions not stated): gnomAD 0.00001; gnomAD exomes 0.00001; TOPMed 0.00002.
gnomAD v4.1: 18 of 1,614,044 alleles (0.0011%); highest among the groups gnomAD compares: Admixed American, 0.012%; no homozygotes.

Submissions (2):

Ambry Genetics
Classification: Uncertain significance for Inborn genetic diseases. Last evaluated: 2025-03-19. Review status: criteria provided, single submitter. Criteria: Ambry Variant Classification Scheme 2023. Collection method: clinical testing. Allele origin: germline.

Labcorp Genetics (formerly Invitae), Labcorp
Classification: Uncertain significance for Centromeric instability of chromosomes 1,9 and 16 and immunodeficiency. Last evaluated: 2024-12-23. Review status: criteria provided, single submitter. Criteria: Invitae Variant Classification Sherloc (09022015). Collection method: clinical testing. Allele origin: germline.
Comment: This sequence change replaces asparagine, which is neutral and polar, with lysine, which is basic and polar, at codon 786 of the DNMT3B protein (p.Asn786Lys). This variant is present in population databases (no rsID available, gnomAD 0.006%). This variant has not been reported in the literature in individuals affected with DNMT3B-related conditions. ClinVar contains an entry for this variant (Variation ID: 1043252). Invitae Evidence Modeling of protein sequence and biophysical properties (such as structural, functional, and spatial information, amino acid conservation, physicochemical variation, residue mobility, and thermodynamic stability) indicates that this missense variant is not expected to disrupt DNMT3B protein function with a negative predictive value of 95%. In summary, the available evidence is currently insufficient to determine the role of this variant in disease. Therefore, it has been classified as a Variant of Uncertain Significance.